The following is an entry in ClinVar:

ClinVar aggregate classification (germline): Uncertain significance (1 of 4 stars; one submission).

Conditions:
Catecholaminergic polymorphic ventricular tachycardia 1. Also called: VENTRICULAR TACHYCARDIA, STRESS-INDUCED POLYMORPHIC 1; RYR2-Related Catecholaminergic Polymorphic Ventricular Tachycardia; VENTRICULAR TACHYCARDIA, CATECHOLAMINERGIC POLYMORPHIC, 1, WITH OR WITHOUT ATRIAL DYSFUNCTION AND/OR DILATED CARDIOMYOPATHY. Identifiers: Orphanet 3286, MedGen C1631597, MONDO:0011484, OMIM 604772.

gnomAD v4.1: 1 of 1,611,904 alleles (0.000062%); highest among the groups gnomAD compares: Non-Finnish European, 0.000085%; no homozygotes.

Submission:

Labcorp Genetics (formerly Invitae), Labcorp
Classification: Uncertain significance for Catecholaminergic polymorphic ventricular tachycardia 1. Last evaluated: 2025-08-29. Review status: criteria provided, single submitter. Criteria: Invitae Variant Classification Sherloc (09022015). Collection method: clinical testing. Allele origin: germline.
Comment: This sequence change replaces threonine, which is neutral and polar, with isoleucine, which is neutral and non-polar, at codon 3758 of the RYR2 protein (p.Thr3758Ile). This variant is not present in population databases (gnomAD no frequency). This variant has not been reported in the literature in individuals affected with RYR2-related conditions. Invitae Evidence Modeling of protein sequence and biophysical properties (such as structural, functional, and spatial information, amino acid conservation, physicochemical variation, residue mobility, and thermodynamic stability) indicates that this missense variant is expected to disrupt RYR2 protein function with a positive predictive value of 80%. In summary, the available evidence is currently insufficient to determine the role of this variant in disease. Therefore, it has been classified as a Variant of Uncertain Significance.

NM_001035.3(RYR2):c.11273C>T (p.Thr3758Ile)

Gene: RYR2 (ryanodine receptor 2; plus strand). Cytogenetic location: 1q43.
Variant type: single nucleotide variant.
Coding change: c.11273C>T on transcript NM_001035.3 (MANE Select); coding-DNA position 11273, C replaced by T.
Protein change: p.Thr3758Ile; replaces threonine 3758 with isoleucine.
Molecular consequence: missense variant.
Genome position (GRCh38, 1-based): chr1:237,757,724, C>T. VCF-style: chr1-237757724-C-T. GRCh37 (hg19) VCF-style: chr1-237921024-C-T.
Other names: short protein forms T3758I.
Identifiers: ClinVar variation 4770437 (VCV004770437.1).